The following is an entry in ClinVar:

ClinVar aggregate classification (germline): Pathogenic (1 of 4 stars; one submission).

Conditions:
POLG-related disorder. Also called: POLG-Related Spectrum Disorders; POLG-related condition; POLG-Related Disorders. Identifiers: MedGen C4763519.

Submission:

Myriad Genetics, Inc.
Classification: Pathogenic for POLG-related disorder. Last evaluated: 2024-08-31. Review status: criteria provided, single submitter. Criteria: Myriad Autosomal Dominant, Autosomal Recessive and X-Linked Classification Criteria (2023). Collection method: clinical testing. Allele origin: unknown.
Comment: NM_002693.2(POLG):c.418delC(R140Afs*126) is expected to be pathogenic in the context of POLG-related disorders. This variant is predicted to lead to an abnormal or absent protein product due to the creation of a premature termination codon in POLG, a gene where loss-of-function variants are known to be pathogenic. Please note: this variant was assessed in the context of healthy population screening.

NM_002693.3(POLG):c.418del (p.Arg140fs)

Genes: POLG (DNA polymerase gamma, catalytic subunit; minus strand), POLGARF (POLG alternative reading frame; minus strand). Cytogenetic location: 15q26.1.
Variant type: Deletion.
Coding change: c.418del on transcript NM_002693.3 (MANE Select); coding-DNA position 418, one base deleted (C; older notation c.418delC).
Protein change: p.Arg140fs; shifts the reading frame from arginine 140.
Molecular consequence: frameshift variant.
Genome position (GRCh38, 1-based): chr15:89,333,337, G deleted on the plus strand (C on the coding strand, the reverse complement: POLG is on the minus strand); the first of 2 consecutive G bases (chr15:89,333,337-89,333,338); deleting either gives the same sequence. VCF-style (leftmost placement, unchanged base first): chr15-89333336-CG-C. GRCh37 (hg19) VCF-style: chr15-89876567-CG-C.
Other names: c.473del, p.Pro158fs (NM_001430120.1); c.418del, p.Arg140fs (NM_001126131.2); short protein forms P158fs, R140fs.
Identifiers: ClinVar variation 5013511 (VCV005013511.1).